The following is an entry in ClinVar:

NM_002838.5(PTPRC):c.2697+6T>A

Gene: PTPRC (protein tyrosine phosphatase receptor type C; plus strand). Cytogenetic location: 1q32.1.
Variant type: single nucleotide variant.
Coding change: c.2697+6T>A on transcript NM_002838.5 (MANE Select); 6 bases into the intron after coding-DNA position 2697, T replaced by A.
Molecular consequence: intron variant.
Genome position (GRCh38, 1-based): chr1:198,742,373, T>A. VCF-style: chr1-198742373-T-A. GRCh37 (hg19) VCF-style: chr1-198711502-T-A.
Other names: c.2214+6T>A (NM_080921.4).
Identifiers: ClinVar variation 935414 (VCV000935414.7), dbSNP rs938718659, ClinGen allele CA35909212.
Genomic context (GRCh38, chr1:198,742,373, plus strand): 5'-TTATGGTTATGTTGTCAAGCTAAGGCGACAGAGATGCCTGATGGTTCAAGTAGAGGTATG[T>A]TCTAACCTTTAGTGATTATTCTCACTTTGGTTTTTTGGACTTAAATCTTTTCCAAGTGAT-3'

ClinVar aggregate classification (germline): Uncertain significance (1 of 4 stars; one submission).

Conditions:
Immunodeficiency 104. Also called: Severe Combined Immune Deficiency, Autosomal Recessive, TCell -Negative, B Cell-Positive, NK Cell-Positive, IL7R-Related; Severe combined immunodeficiency, autosomal recessive, T cell-negative, B cell-positive, NK cell-positive; IMMUNODEFICIENCY 104, SEVERE COMBINED; SCID, AUTOSOMAL RECESSIVE, T CELL-NEGATIVE, B CELL-POSITIVE, NK CELL-POSITIVE. Identifiers: MedGen C5676890, MONDO:0012163, OMIM 608971.

Allele frequency attached by ClinVar (database versions not stated): TOPMed below 0.00001; gnomAD exomes 0.00001.
gnomAD v4.1: 7 of 1,611,672 alleles (0.00043%); highest among the groups gnomAD compares: Non-Finnish European, 0.00059%; no homozygotes.

Submission:

Labcorp Genetics (formerly Invitae), Labcorp
Classification: Uncertain significance for Immunodeficiency 104. Last evaluated: 2021-08-24. Review status: criteria provided, single submitter. Criteria: Invitae Variant Classification Sherloc (09022015). Collection method: clinical testing. Allele origin: germline.
Comment: This sequence change falls in intron 25 of the PTPRC gene. It does not directly change the encoded amino acid sequence of the PTPRC protein. It affects a nucleotide within the consensus splice site of the intron. This variant is not present in population databases (ExAC no frequency). This variant has not been reported in the literature in individuals affected with PTPRC-related conditions. Variants that disrupt the consensus splice site are a relatively common cause of aberrant splicing (PMID: 17576681, 9536098). Algorithms developed to predict the effect of sequence changes on RNA splicing suggest that this variant is not likely to affect RNA splicing. In summary, the available evidence is currently insufficient to determine the role of this variant in disease. Therefore, it has been classified as a Variant of Uncertain Significance.

Literature cited by the submitters: PubMed 17576681; PubMed 9536098.